The following is an entry in ClinVar:

NM_015043.4(TBC1D9B):c.1467C>T (p.Tyr489=)

Gene: TBC1D9B (TBC1 domain family member 9B; minus strand). Cytogenetic location: 5q35.3.
Variant type: single nucleotide variant.
Coding change: c.1467C>T on transcript NM_015043.4 (MANE Select); coding-DNA position 1467, C replaced by T.
Protein change: p.Tyr489=; no amino-acid change (tyrosine 489 retained).
Molecular consequence: synonymous variant.
Genome position (GRCh38, 1-based): chr5:179,879,147, G>A on the plus strand (C>T on the coding strand, the complement: TBC1D9B is on the minus strand). VCF-style: chr5-179879147-G-A. GRCh37 (hg19) VCF-style: chr5-179306147-G-A.
Other names: c.1467C>T, p.Tyr489= (NM_198868.3).
Identifiers: ClinVar variation 2656144 (VCV002656144.24), dbSNP rs200885741, ClinGen allele CA3602324.

ClinVar aggregate classification (germline): Likely benign (1 of 4 stars; one submission).

Allele frequency attached by ClinVar (database versions not stated): ESP Exome Variant Server 0.00031; gnomAD 0.00032; TOPMed 0.00032; ExAC 0.00046.
gnomAD v4.1: 517 of 1,606,412 alleles (0.032%); highest among the groups gnomAD compares: Non-Finnish European, 0.036%; no homozygotes.

Submission:

CeGaT Center for Human Genetics Tuebingen
Classification: Likely benign. Last evaluated: 2022-08-01. Review status: criteria provided, single submitter. Criteria: CeGaT Center For Human Genetics Tuebingen Variant Classification Criteria Version 2. Collection method: clinical testing. Allele origin: germline. Affected: yes. Observed: 1 variant allele.
Comment: TBC1D9B: BP4, BP7